The following is an entry in ClinVar:

ClinVar aggregate classification (germline): Uncertain significance (1 of 4 stars; one submission).

Allele frequency attached by ClinVar (database versions not stated): gnomAD 0.00001; TOPMed 0.00001; gnomAD exomes 0.00002; ExAC 0.00003.
gnomAD v4.1: 10 of 1,614,122 alleles (0.00062%); highest among the groups gnomAD compares: Admixed American, 0.017%; no homozygotes.

Submission:

Labcorp Genetics (formerly Invitae), Labcorp
Classification: Uncertain significance. Last evaluated: 2023-03-31. Review status: criteria provided, single submitter. Criteria: Invitae Variant Classification Sherloc (09022015). Collection method: clinical testing. Allele origin: germline.
Comment: In summary, the available evidence is currently insufficient to determine the role of this variant in disease. Therefore, it has been classified as a Variant of Uncertain Significance. Algorithms developed to predict the effect of missense changes on protein structure and function output the following: SIFT: "Not Available"; PolyPhen-2: "Benign"; Align-GVGD: "Not Available". The proline amino acid residue is found in multiple mammalian species, which suggests that this missense change does not adversely affect protein function. ClinVar contains an entry for this variant (Variation ID: 2050504). This variant has not been reported in the literature in individuals affected with REST-related conditions. This variant is present in population databases (rs771639346, gnomAD 0.03%). This sequence change replaces alanine, which is neutral and non-polar, with proline, which is neutral and non-polar, at codon 709 of the REST protein (p.Ala709Pro).

NM_005612.5(REST):c.2125G>C (p.Ala709Pro)

Gene: REST (RE1 silencing transcription factor; plus strand). Cytogenetic location: 4q12.
Variant type: single nucleotide variant.
Coding change: c.2125G>C on transcript NM_005612.5 (MANE Select); coding-DNA position 2125, G replaced by C.
Protein change: p.Ala709Pro; replaces alanine 709 with proline.
Molecular consequence: missense variant.
Genome position (GRCh38, 1-based): chr4:56,930,983, G>C. VCF-style: chr4-56930983-G-C. GRCh37 (hg19) VCF-style: chr4-57797149-G-C.
Other names: c.2125G>C, p.Ala709Pro (NM_001193508.2, NM_001363453.3); short protein forms A709P.
Identifiers: ClinVar variation 2050504 (VCV002050504.4), dbSNP rs771639346, ClinGen allele CA2932415.